The following is an entry in ClinVar:

NM_000181.4(GUSB):c.13T>C (p.Ser5Pro)

Gene: GUSB (glucuronidase beta; minus strand). Cytogenetic location: 7q11.21.
Variant type: single nucleotide variant.
Coding change: c.13T>C on transcript NM_000181.4 (MANE Select); coding-DNA position 13, T replaced by C.
Protein change: p.Ser5Pro; replaces serine 5 with proline.
Molecular consequence: missense variant. On other transcripts: 5 prime UTR variant (2), non-coding transcript variant (1).
Genome position (GRCh38, 1-based): chr7:65,982,171, A>G on the plus strand (T>C on the coding strand, the complement: GUSB is on the minus strand). VCF-style: chr7-65982171-A-G. GRCh37 (hg19) VCF-style: chr7-65447158-A-G.
Other names: c.13T>C, p.Ser5Pro (NM_001284290.2); c.-373T>C (NM_001293104.2); c.-317T>C (NM_001293105.2); short protein forms S5P.
Identifiers: ClinVar variation 360557 (VCV000360557.15), dbSNP rs190496263, ClinGen allele CA4276760.

ClinVar aggregate classification (germline): Conflicting classifications of pathogenicity. Review status: criteria provided, conflicting classifications (1 of 4 stars). 4 submissions from 4 submitters: Uncertain significance (1); Likely benign (3). Last evaluated 2026-02-04.

Conditions:
Mucopolysaccharidosis type 7 (MPS7). Also called: BETA-GLUCURONIDASE DEFICIENCY; MPS VII; GUSB DEFICIENCY; SLY SYNDROME. Identifiers: Orphanet 584, MedGen C0085132, MONDO:0009662, OMIM 253220.
GUSB-related disorder. Also called: GUSB-related condition.

Allele frequency attached by ClinVar (database versions not stated): gnomAD 0.00015 and 0.00022; TOPMed 0.00015; ExAC 0.00032; gnomAD exomes 0.00033; 1000 Genomes Project 0.00080; 1000 Genomes Project 30x 0.00109.

Submissions (4):

Labcorp Genetics (formerly Invitae), Labcorp
Classification: Likely benign for Mucopolysaccharidosis type 7. Last evaluated: 2026-02-04. Review status: criteria provided, single submitter. Criteria: Invitae Variant Classification Sherloc (09022015). Collection method: clinical testing. Allele origin: germline.

PreventionGenetics, part of Exact Sciences
Classification: Likely benign for GUSB-related condition. Last evaluated: 2025-05-03. Review status: criteria provided, single submitter. Criteria: ACMG Guidelines, 2015. Collection method: clinical testing. Allele origin: germline.
Comment: This variant is classified as likely benign based on ACMG/AMP sequence variant interpretation guidelines (Richards et al. 2015 PMID: 25741868, with internal and published modifications).

Blueprint Genetics
Classification: Likely benign. Last evaluated: 2024-11-14. Review status: criteria provided, single submitter. Criteria: ACMG Guidelines, 2015. Collection method: clinical testing. Allele origin: germline.

Illumina Laboratory Services, Illumina
Classification: Uncertain significance for Mucopolysaccharidosis type 7. Last evaluated: 2018-01-13. Review status: criteria provided, single submitter. Criteria: ICSL Variant Classification Criteria 13 December 2019. Collection method: clinical testing. Allele origin: germline.